The following is an entry in ClinVar:

ClinVar aggregate classification (germline): Pathogenic (0 of 4 stars; one submission).

Conditions:
Familial cancer of breast. Also called: hereditary breast carcinoma; Hereditary breast cancer; BREAST CANCER, FAMILIAL. Identifiers: Orphanet 227535, MedGen C0346153, MONDO:0016419, OMIM 114480. Disease mechanism: loss of function.

Submission:

University Health Network, Princess Margaret Cancer Centre
Classification: Pathogenic for Familial cancer of breast. Last evaluated: 2021-03-19. Review status: no assertion criteria provided. Collection method: clinical testing. Allele origin: somatic. Affected: no.
Comment: This is a full deletion of APC. This whole gene deletion was detected by next generation sequencing of genomic DNA (gDNA) and confirmed by MLPA.

Single allele

Gene: APC (APC regulator of Wnt signaling pathway; plus strand). Cytogenetic location: 5q22.2.
Variant type: Deletion.
Identifiers: ClinVar variation 1174017 (VCV001174017.2).